The following is an entry in ClinVar:

NM_000179.3(MSH6):c.1323dup (p.Ile442fs)

Gene: MSH6 (mutS homolog 6; plus strand). Cytogenetic location: 2p16.3.
Variant type: Duplication.
Coding change: c.1323dup on transcript NM_000179.3 (MANE Select); coding-DNA position 1323, one base duplicated (T; older notation c.1323dupT).
Protein change: p.Ile442fs; shifts the reading frame from isoleucine 442.
Molecular consequence: frameshift variant.
Genome position (GRCh38, 1-based): chr2:47,799,306, T duplicated; the last of 2 consecutive T bases (chr2:47,799,305-47,799,306); duplicating either gives the same sequence. VCF-style (leftmost placement, unchanged base first): chr2-47799304-C-CT. GRCh37 (hg19) VCF-style: chr2-48026443-C-CT.
Other names: c.1323dupT (NM_000179.2); c.933dup, p.Ile312fs (NM_001281492.2); c.417dup, p.Ile140fs (NM_001281493.2, NM_001281494.2); c.1419dup, p.Ile474Tyrfs (NM_001406795.1, NM_001406802.1); c.1323dup, p.Ile442Tyrfs (NM_001406796.1, NM_001406798.1, NM_001406800.1 and 4 more transcripts); c.1026dup, p.Ile343Tyrfs (NM_001406797.1, NM_001406801.1, NM_001406805.1 and 10 more transcripts); c.798dup, p.Ile267Tyrfs (NM_001406799.1, NM_001406806.1, NM_001406807.1); c.1245dup, p.Ile416Tyrfs (NM_001406804.1); and 3 more; short protein forms I140fs, I312fs, I442fs.
Identifiers: ClinVar variation 1769949 (VCV001769949.2), dbSNP rs2530602970, ClinGen allele CA2580067569.

ClinVar aggregate classification (germline): Pathogenic (1 of 4 stars; one submission).

Conditions:
Hereditary cancer-predisposing syndrome. Also called: Hereditary Cancer Syndrome; Hereditary neoplastic syndrome; Neoplastic Syndromes, Hereditary; Tumor predisposition. Identifiers: Orphanet 140162, MedGen C0027672, MeSH D009386, MONDO:0015356.

Submission:

Ambry Genetics
Classification: Pathogenic for Hereditary cancer-predisposing syndrome. Last evaluated: 2021-02-11. Review status: criteria provided, single submitter. Criteria: Ambry Variant Classification Scheme 2023. Collection method: clinical testing. Allele origin: germline.
Comment: The c.1323dupT pathogenic mutation, located in coding exon 4 of the MSH6 gene, results from a duplication of T at nucleotide position 1323, causing a translational frameshift with a predicted alternate stop codon (p.I442Yfs*5). This alteration is expected to result in loss of function by premature protein truncation or nonsense-mediated mRNA decay. As such, this alteration is interpreted as a disease-causing mutation.